The following is an entry in ClinVar:

NM_001034853.2(RPGR):c.3129A>G (p.Gly1043=)

Gene: RPGR (retinitis pigmentosa GTPase regulator; minus strand). Cytogenetic location: Xp11.4.
Variant type: single nucleotide variant.
Coding change: c.3129A>G on transcript NM_001034853.2 (MANE Select); coding-DNA position 3129, A replaced by G.
Protein change: p.Gly1043=; no amino-acid change (glycine 1043 retained).
Molecular consequence: synonymous variant. On other transcripts: intron variant (8).
Genome position (GRCh38, 1-based): chrX:38,285,870, T>C on the plus strand (A>G on the coding strand, the complement: RPGR is on the minus strand). VCF-style: chrX-38285870-T-C. GRCh37 (hg19) VCF-style: chrX-38145123-T-C.
Other names: c.1569+5089A>G (NM_001367249.1, NM_001367250.1); c.1902+1224A>G (NM_001367245.1); c.1386+5089A>G (NM_001367251.1); c.1719+1224A>G (NM_001367246.1); c.1572+5089A>G (NM_001367247.1); c.1905+1224A>G (NM_000328.3); c.1602+5089A>G (NM_001367248.1); c.3129A>G (NM_001034853.1).
Identifiers: ClinVar variation 3672957 (VCV003672957.4).

ClinVar aggregate classification (germline): Likely benign. Review status: criteria provided, multiple submitters, no conflicts (2 of 4 stars). 3 submissions from 3 submitters: Likely benign (3). Last evaluated 2025-12-30.

Conditions:
RPGR-related disorder. Also called: RPGR-related condition.
Primary ciliary dyskinesia. Also called: Ciliary dyskinesia. Identifiers: Orphanet 244, MedGen C0008780, MONDO:0016575, HP:0012265.

Submissions (3):

Labcorp Genetics (formerly Invitae), Labcorp
Classification: Likely benign for Primary ciliary dyskinesia. Last evaluated: 2025-12-30. Review status: criteria provided, single submitter. Criteria: Invitae Variant Classification Sherloc (09022015). Collection method: clinical testing. Allele origin: germline.

PreventionGenetics, part of Exact Sciences
Classification: Likely benign for RPGR-related condition. Last evaluated: 2024-10-18. Review status: criteria provided, single submitter. Criteria: ACMG Guidelines, 2015. Collection method: clinical testing. Allele origin: germline.
Comment: This variant is classified as likely benign based on ACMG/AMP sequence variant interpretation guidelines (Richards et al. 2015 PMID: 25741868, with internal and published modifications).

Blueprint Genetics
Classification: Likely benign. Last evaluated: 2021-12-15. Review status: criteria provided, single submitter. Criteria: ACMG Guidelines, 2015. Collection method: clinical testing. Allele origin: germline.